The following is an entry in ClinVar:

ClinVar aggregate classification (germline): Uncertain significance. Review status: criteria provided, single submitter (1 of 4 stars). 2 submissions from 2 submitters: Uncertain significance (1). 1 of the submissions does not count toward it. Last evaluated 2024-02-14.

Conditions:
SEMA3C-related disorder. Also called: SEMA3C-related condition.

Allele frequency attached by ClinVar (database versions not stated): gnomAD exomes 0.00002; ExAC 0.00017; gnomAD 0.00035; 1000 Genomes Project 0.00040; 1000 Genomes Project 30x 0.00062.
gnomAD v4.1: 87 of 1,613,446 alleles (0.0054%); highest among the groups gnomAD compares: African/African-American, 0.1%; no homozygotes.

Submissions (2):

Ambry Genetics
Classification: Uncertain significance. Last evaluated: 2024-02-14. Review status: criteria provided, single submitter. Criteria: Ambry Variant Classification Scheme 2023. Collection method: clinical testing. Allele origin: germline.

PreventionGenetics, part of Exact Sciences
Classification: Uncertain significance for SEMA3C-related condition. Last evaluated: 2024-06-19. Review status: no assertion criteria provided. Collection method: clinical testing. Allele origin: germline. Not counted in ClinVar's aggregate classification.
Comment: The SEMA3C c.81G>T variant is predicted to result in the amino acid substitution p.Leu27Phe. To our knowledge, this variant has not been reported in the literature. This variant is reported in 0.12% of alleles in individuals of African descent in gnomAD. Although we suspect that this variant may be benign, at this time, the clinical significance of this variant is uncertain due to the absence of conclusive functional and genetic evidence.

NM_006379.5(SEMA3C):c.27G>T (p.Leu9Phe)

Gene: SEMA3C (semaphorin 3C; minus strand). Cytogenetic location: 7q21.11.
Variant type: single nucleotide variant.
Coding change: c.27G>T on transcript NM_006379.5 (MANE Select); coding-DNA position 27, G replaced by T.
Protein change: p.Leu9Phe; replaces leucine 9 with phenylalanine.
Molecular consequence: missense variant. On other transcripts: 5 prime UTR variant (1).
Genome position (GRCh38, 1-based): chr7:80,916,755, C>A on the plus strand (G>T on the coding strand, the complement: SEMA3C is on the minus strand). VCF-style: chr7-80916755-C-A. GRCh37 (hg19) VCF-style: chr7-80546071-C-A.
Other names: c.81G>T, p.Leu27Phe (NM_001350120.2); c.-236G>T (NM_001350121.2); c.81G>T (NM_001350120.1); short protein forms L9F, L27F.
Identifiers: ClinVar variation 2409773 (VCV002409773.3), dbSNP rs150930067, ClinGen allele CA4316615.